The following is an entry in ClinVar:

NM_182641.4(BPTF):c.8419T>G (p.Tyr2807Asp)

Gene: BPTF (bromodomain PHD finger transcription factor; plus strand). Cytogenetic location: 17q24.2.
Variant type: single nucleotide variant.
Coding change: c.8419T>G on transcript NM_182641.4 (MANE Select); coding-DNA position 8419, T replaced by G.
Protein change: p.Tyr2807Asp; replaces tyrosine 2807 with aspartic acid.
Molecular consequence: missense variant.
Genome position (GRCh38, 1-based): chr17:67,964,369, T>G. VCF-style: chr17-67964369-T-G. GRCh37 (hg19) VCF-style: chr17-65960485-T-G.
Other names: c.8542T>G, p.Tyr2848Asp (NM_001439140.1); c.8515T>G, p.Tyr2839Asp (NM_001439141.1); c.8368T>G, p.Tyr2790Asp (NM_001439142.1, NM_004459.7); c.8179T>G, p.Tyr2727Asp (NM_001439143.1, NM_001439144.1); c.8608T>G, p.Tyr2870Asp (NM_001439139.1); short protein forms Y2727D, Y2790D, Y2807D, Y2839D, Y2848D, Y2870D.
Identifiers: ClinVar variation 4531676 (VCV004531676.1).

ClinVar aggregate classification (germline): Likely pathogenic (1 of 4 stars; one submission).

Conditions:
Neurodevelopmental disorder with dysmorphic facies and distal limb anomalies. Identifiers: Orphanet 686482, MedGen C4540327, MONDO:0060596, OMIM 617755.

Submission:

Victorian Clinical Genetics Services, Murdoch Childrens Research Institute
Classification: Likely pathogenic for Neurodevelopmental disorder with dysmorphic facies and distal limb anomalies. Last evaluated: 2025-08-19. Review status: criteria provided, single submitter. Criteria: ACMG Guidelines, 2015. Collection method: clinical testing. Allele origin: germline. Affected: yes.
Comment: This variant is classified as Likely pathogenic. Evidence in support of pathogenic classification: Variant is absent from gnomAD (v2, v3 and v4); Missense variant predicted to be damaging by in silico tool(s) or highly conserved with a major amino acid change; Additional information: Variant is predicted to result in a missense amino acid change from Tyr to Asp; This variant is heterozygous; This gene is associated with autosomal dominant disease; This variant has no previous evidence of pathogenicity; No published evidence of segregation with disease has been identified for this variant; No published functional evidence has been identified for this variant; No comparable missense variants have previous evidence for pathogenicity; Variant is located in the annotated bromodomain (NCBI); Loss of function is a known mechanism of disease in this gene and is associated with neurodevelopmental disorder with dysmorphic facies and distal limb anomalies (MIM#617755); Variants in this gene are known to have variable expressivity (OMIM).